The following is an entry in ClinVar:

NM_001042492.3(NF1):c.7417A>G (p.Met2473Val)

Gene: NF1 (neurofibromin 1; plus strand). Cytogenetic location: 17q11.2.
Variant type: single nucleotide variant.
Coding change: c.7417A>G on transcript NM_001042492.3 (MANE Select); coding-DNA position 7417, A replaced by G.
Protein change: p.Met2473Val; replaces methionine 2473 with valine.
Molecular consequence: missense variant.
Genome position (GRCh38, 1-based): chr17:31,350,278, A>G. VCF-style: chr17-31350278-A-G. GRCh37 (hg19) VCF-style: chr17-29677296-A-G.
Other names: c.7354A>G, p.Met2452Val (NM_000267.4); short protein forms M2473V, M2452V.
Identifiers: ClinVar variation 457841 (VCV000457841.14), dbSNP rs1555536144, ClinGen allele CA399017143.
Genomic context (GRCh38, chr17:31,350,278, plus strand): 5'-TGCAGCCTAAAACATAGAAAGTCACTTCTTCTTACTGATATTTCAATGGAAAATGTTCCT[A>G]TGGATACATATCCCATTCATCATGGTGACCCTTCCTATAGGTAAGTGGATTTACTCTCCT-3'
Protein context (NP_001035957.1, residues 2463-2483): LTDISMENVP[Met2473Val]DTYPIHHGDP

ClinVar aggregate classification (germline): Uncertain significance. Review status: criteria provided, multiple submitters, no conflicts (2 of 4 stars). 3 submissions from 3 submitters: Uncertain significance (3). Last evaluated 2025-06-15.

Conditions:
Cardiovascular phenotype. Identifiers: MedGen CN230736.
Hereditary cancer-predisposing syndrome. Also called: Hereditary Cancer Syndrome; Hereditary neoplastic syndrome; Tumor predisposition; Neoplastic Syndromes, Hereditary. Identifiers: Orphanet 140162, MedGen C0027672, MeSH D009386, MONDO:0015356.
Neurofibromatosis, type 1 (NF1). Also called: VON RECKLINGHAUSEN DISEASE; NEUROFIBROMATOSIS, TYPE I, SOMATIC; Peripheral type neurofibromatosis; Neurofibromatosis, type I. Identifiers: Orphanet 636, MedGen C0027831, MONDO:0018975, OMIM 162200. Disease mechanism: loss of function.

gnomAD v4.1: 2 of 1,613,290 alleles (0.00012%); highest among the groups gnomAD compares: Non-Finnish European, 0.00017%; no homozygotes.

Submissions (3):

Labcorp Genetics (formerly Invitae), Labcorp
Classification: Uncertain significance for Neurofibromatosis, type 1. Last evaluated: 2025-06-15. Review status: criteria provided, single submitter. Criteria: Invitae Variant Classification Sherloc (09022015). Collection method: clinical testing. Allele origin: germline.
Comment: This sequence change replaces methionine, which is neutral and non-polar, with valine, which is neutral and non-polar, at codon 2452 of the NF1 protein (p.Met2452Val). This variant is not present in population databases (gnomAD no frequency). This variant has not been reported in the literature in individuals affected with NF1-related conditions. ClinVar contains an entry for this variant (Variation ID: 457841). Invitae Evidence Modeling of protein sequence and biophysical properties (such as structural, functional, and spatial information, amino acid conservation, physicochemical variation, residue mobility, and thermodynamic stability) has been performed for this missense variant. However, the output from this modeling did not meet the statistical confidence thresholds required to predict the impact of this variant on NF1 protein function. In summary, the available evidence is currently insufficient to determine the role of this variant in disease. Therefore, it has been classified as a Variant of Uncertain Significance.

Ambry Genetics
Classification: Uncertain significance for Cardiovascular phenotype; Hereditary cancer-predisposing syndrome. Last evaluated: 2022-11-01. Review status: criteria provided, single submitter. Criteria: Ambry Variant Classification Scheme 2023. Collection method: clinical testing. Allele origin: germline.
Comment: The p.M2452V variant (also known as c.7354A>G), located in coding exon 49 of the NF1 gene, results from an A to G substitution at nucleotide position 7354. The methionine at codon 2452 is replaced by valine, an amino acid with highly similar properties. This amino acid position is highly conserved in available vertebrate species. In addition, the in silico prediction for this alteration is inconclusive. Since supporting evidence is limited at this time, the clinical significance of this alteration remains unclear.

Genome-Nilou Lab
Classification: Uncertain significance for Neurofibromatosis, type 1. Last evaluated: 2022-03-15. Review status: criteria provided, single submitter. Criteria: ACMG Guidelines, 2015. Collection method: clinical testing. Allele origin: germline. Affected: no.